The following is an entry in ClinVar:

NM_007294.4(BRCA1):c.4185+3334G>A

Gene: BRCA1 (BRCA1 DNA repair associated; minus strand). Cytogenetic location: 17q21.31.
Variant type: single nucleotide variant.
Coding change: c.4185+3334G>A on transcript NM_007294.4 (MANE Select); 3334 bases into the intron after coding-DNA position 4185, G replaced by A.
Molecular consequence: intron variant.
Genome position (GRCh38, 1-based): chr17:43,087,610, C>T on the plus strand (G>A on the coding strand, the complement: BRCA1 is on the minus strand). VCF-style: chr17-43087610-C-T. GRCh37 (hg19) VCF-style: chr17-41239627-C-T.
Other names: c.4059+3334G>A (NM_001407672.1, NM_001407690.1, NM_001407687.1 and 11 more transcripts); c.873+3334G>A (NM_001408398.1, NM_001407992.1, NM_001408400.1 and 13 more transcripts); c.4182+3334G>A (NM_001407629.1, NM_001407636.1, NM_001407612.1 and 22 more transcripts); c.753+3334G>A (NM_001408440.1, NM_001408428.1, NM_001408441.1 and 12 more transcripts); c.4062+3334G>A (NM_001407678.1, NM_001407666.1, NM_001407683.1 and 19 more transcripts); c.759+3334G>A (NM_001408418.1, NM_001408423.1, NM_001408420.1 and 2 more transcripts); c.876+3334G>A (NM_001407981.1, NM_007298.4, NM_001407978.1 and 17 more transcripts); c.4185+3334G>A (NM_001407639.1, NM_001407859.1, NM_001407620.1 and 30 more transcripts); and 41 more.
Identifiers: ClinVar variation 264807 (VCV000264807.2), dbSNP rs8176169, ClinGen allele CA10588222.

ClinVar aggregate classification (germline): Benign (3 of 4 stars; one submission).

Conditions:
Breast-ovarian cancer, familial, susceptibility to, 1 (BROVCA1). Also called: BRCA1 Hereditary Breast and Ovarian Cancer; OVARIAN CANCER, SUSCEPTIBILITY TO. Identifiers: Orphanet 145, MedGen C2676676, MONDO:0011450, OMIM 604370. Disease mechanism: loss of function.

Allele frequency attached by ClinVar (database versions not stated): gnomAD 0.00029 and 0.00040; TOPMed 0.00037; 1000 Genomes Project 0.00280; 1000 Genomes Project 30x 0.00297.
gnomAD v4.1: 58 of 146,948 alleles (0.039%); highest among the groups gnomAD compares: East Asian, 1.1%; no homozygotes.

Submission:

Evidence-based Network for the Interpretation of Germline Mutant Alleles (ENIGMA)
Classification: Benign for Breast-ovarian cancer, familial, susceptibility to, 1. Last evaluated: 2016-09-28. Review status: reviewed by expert panel. Criteria: ENIGMA BRCA1/2 Classification Criteria (2015). Collection method: curation. Allele origin: germline.
Comment: Class 1 not pathogenic based on frequency >1% in an outbred sampleset. Frequency 0.0109 (East Asian), derived from 1000 genomes (2013-05-02).